The following is an entry in ClinVar:

ClinVar aggregate classification (germline): not provided (0 of 4 stars; one submission).

Conditions:
Sudden cardiac death (SCD). Also called: Sudden adult death syndrome. Identifiers: MedGen C0085298, MeSH D016757, HP:0001645.

Allele frequency attached by ClinVar (database versions not stated): gnomAD exomes below 0.00001.
gnomAD v4.1: 1 of 1,605,326 alleles (0.000062%); highest among the groups gnomAD compares: Admixed American, 0.0017%; no homozygotes.

Submission:

Cardiovascular Biomedical Research Unit, Royal Brompton & Harefield NHS Foundation Trust
No classification provided. Condition: Sudden cardiac death. Review status: no classification provided. Collection method: literature only. Allele origin: germline.
Comment: This variant has been reported as associated with Sudden arrhythmic death syndrome in the following publications (PMID:18508782). This is a literature report, and does not necessarily reflect the clinical interpretation of the Imperial College / Royal Brompton Cardiovascular Genetics laboratory.

Literature cited by the submitters: PubMed 18508782; PubMed 22581653.

NM_000238.4(KCNH2):c.239C>T (p.Ala80Val)

Gene: KCNH2 (potassium voltage-gated channel subfamily H member 2; minus strand). Cytogenetic location: 7q36.1.
Variant type: single nucleotide variant.
Coding change: c.239C>T on transcript NM_000238.4 (MANE Select); coding-DNA position 239, C replaced by T.
Protein change: p.Ala80Val; replaces alanine 80 with valine.
Molecular consequence: missense variant.
Genome position (GRCh38, 1-based): chr7:150,974,779, G>A on the plus strand (C>T on the coding strand, the complement: KCNH2 is on the minus strand). VCF-style: chr7-150974779-G-A. GRCh37 (hg19) VCF-style: chr7-150671867-G-A.
Other names: c.239C>T (LRG_288t1); c.62C>T, p.Ala21Val (NM_001406755.1); c.239C>T, p.Ala80Val (NM_172056.3); short protein forms A80V, A21V.
Identifiers: ClinVar variation 67395 (VCV000067395.3), dbSNP rs199473493, ClinGen allele CA006696.